The following is an entry in ClinVar:

ClinVar aggregate classification (germline): Likely pathogenic (1 of 4 stars; one submission).

Conditions:
Duchenne muscular dystrophy (DMD). Also called: Duchenne Muscular Dystrophy (DMD); MUSCULAR DYSTROPHY, PSEUDOHYPERTROPHIC PROGRESSIVE, DUCHENNE TYPE. Identifiers: Orphanet 98896, MedGen C0013264, MONDO:0010679, OMIM 310200.

Submission:

Neuberg Centre For Genomic Medicine, NCGM
Classification: Likely pathogenic for Duchenne muscular dystrophy. Review status: criteria provided, single submitter. Criteria: ACMG Guidelines, 2015. Collection method: clinical testing. Allele origin: germline. Inheritance: X-linked recessive inheritance. Affected: yes.
Comment: The variant has not been reported previously as a pathogenic variant nor as a benign variant, to our knowledge. This variant is predicted to cause loss of normal protein function through protein truncation. Loss of function variants have been previously reported to be disease causing. For these reasons, this variant has been classified as Likely Pathogenic.

NM_004006.3(DMD):c.3555dup (p.Glu1186Ter)

Gene: DMD (dystrophin; minus strand). Cytogenetic location: Xp21.1.
Variant type: Duplication.
Coding change: c.3555dup on transcript NM_004006.3 (MANE Select); coding-DNA position 3555, one base duplicated (T; older notation c.3555dupT).
Protein change: p.Glu1186Ter; replaces glutamic acid 1186 with a stop codon.
Molecular consequence: nonsense.
Genome position (GRCh38, 1-based): chrX:32,454,710, A duplicated on the plus strand (T on the coding strand, the reverse complement: DMD is on the minus strand); the first of 4 consecutive A bases (chrX:32,454,710-32,454,713); duplicating any one gives the same sequence. VCF-style (leftmost placement, unchanged base first): chrX-32454709-C-CA. GRCh37 (hg19) VCF-style: chrX-32472826-C-CA.
Other names: c.3531dup, p.Glu1178Ter (NM_000109.4); c.3543dup, p.Glu1182Ter (NM_004009.3); c.3186dup, p.Glu1063Ter (NM_004010.3); short protein forms E1063*, E1178*, E1182*, E1186*.
Identifiers: ClinVar variation 4086188 (VCV004086188.1).